The following is an entry in ClinVar:

NM_015158.5(KANK1):c.3959T>C (p.Leu1320Pro)

Gene: KANK1 (KN motif and ankyrin repeat domains 1; plus strand). Cytogenetic location: 9p24.3.
Variant type: single nucleotide variant.
Coding change: c.3959T>C on transcript NM_015158.5 (MANE Select); coding-DNA position 3959, T replaced by C.
Protein change: p.Leu1320Pro; replaces leucine 1320 with proline.
Molecular consequence: missense variant. On other transcripts: non-coding transcript variant (1).
Genome position (GRCh38, 1-based): chr9:744,552, T>C. VCF-style: chr9-744552-T-C. GRCh37 (hg19) VCF-style: chr9-744552-T-C.
Other names: c.3959T>C, p.Leu1320Pro (NM_001256876.3, NM_001256877.3, NM_001354334.2); c.3719T>C, p.Leu1240Pro (NM_001354331.2); c.3905T>C, p.Leu1302Pro (NM_001354332.2); c.3485T>C, p.Leu1162Pro (NM_001354333.2, NM_001354335.2, NM_001354337.2 and 2 more transcripts); c.3191T>C, p.Leu1064Pro (NM_001354336.2); c.3431T>C, p.Leu1144Pro (NM_001354338.2, NM_001354340.2, NM_001354344.2); c.3245T>C, p.Leu1082Pro (NM_001354339.2, NM_001354342.2, NM_001354343.2); short protein forms L1240P, L1320P, L1144P, L1162P, L1302P, L1064P, L1082P.
Identifiers: ClinVar variation 1948880 (VCV001948880.5), dbSNP rs879631100, ClinGen allele CA187805816.

ClinVar aggregate classification (germline): Uncertain significance (1 of 4 stars; one submission).

Allele frequency attached by ClinVar (database versions not stated): gnomAD exomes below 0.00001; gnomAD 0.00001; TOPMed 0.00013.
gnomAD v4.1: 16 of 1,614,108 alleles (0.00099%); highest among the groups gnomAD compares: Non-Finnish European, 0.00025%; no homozygotes.

Submission:

Labcorp Genetics (formerly Invitae), Labcorp
Classification: Uncertain significance. Last evaluated: 2024-10-23. Review status: criteria provided, single submitter. Criteria: Invitae Variant Classification Sherloc (09022015). Collection method: clinical testing. Allele origin: germline.
Comment: This sequence change replaces leucine, which is neutral and non-polar, with proline, which is neutral and non-polar, at codon 1320 of the KANK1 protein (p.Leu1320Pro). This variant is not present in population databases (gnomAD no frequency). This variant has not been reported in the literature in individuals affected with KANK1-related conditions. ClinVar contains an entry for this variant (Variation ID: 1948880). An algorithm developed to predict the effect of missense changes on protein structure and function (PolyPhen-2) suggests that this variant is likely to be disruptive. In summary, the available evidence is currently insufficient to determine the role of this variant in disease. Therefore, it has been classified as a Variant of Uncertain Significance.